The following is an entry in ClinVar:

NM_003590.5(CUL3):c.1108A>C (p.Ile370Leu)

Gene: CUL3 (cullin 3; minus strand). Cytogenetic location: 2q36.2.
Variant type: single nucleotide variant.
Coding change: c.1108A>C on transcript NM_003590.5 (MANE Select); coding-DNA position 1108, A replaced by C.
Protein change: p.Ile370Leu; replaces isoleucine 370 with leucine.
Molecular consequence: missense variant.
Genome position (GRCh38, 1-based): chr2:224,506,054, T>G on the plus strand (A>C on the coding strand, the complement: CUL3 is on the minus strand). VCF-style: chr2-224506054-T-G. GRCh37 (hg19) VCF-style: chr2-225370771-T-G.
Other names: c.910A>C, p.Ile304Leu (NM_001257197.2); c.1126A>C, p.Ile376Leu (NM_001257198.2); short protein forms I370L, I304L, I376L.
Identifiers: ClinVar variation 1394165 (VCV001394165.6), dbSNP rs1445122491, ClinGen allele CA350828705.

ClinVar aggregate classification (germline): Uncertain significance (1 of 4 stars; one submission).

Allele frequency attached by ClinVar (database versions not stated): gnomAD 0.00001.
gnomAD v4.1: 1 of 1,612,824 alleles (0.000062%); highest among the groups gnomAD compares: African/African-American, 0.0013%; no homozygotes.

Submission:

Labcorp Genetics (formerly Invitae), Labcorp
Classification: Uncertain significance. Last evaluated: 2025-02-24. Review status: criteria provided, single submitter. Criteria: Invitae Variant Classification Sherloc (09022015). Collection method: clinical testing. Allele origin: germline.
Comment: This sequence change replaces isoleucine, which is neutral and non-polar, with leucine, which is neutral and non-polar, at codon 370 of the CUL3 protein (p.Ile370Leu). This variant is present in population databases (no rsID available, gnomAD 0.01%). This variant has not been reported in the literature in individuals affected with CUL3-related conditions. This missense change has been observed in at least one individual who was not affected with CUL3-related conditions (internal data). ClinVar contains an entry for this variant (Variation ID: 1394165). Invitae Evidence Modeling of protein sequence and biophysical properties (such as structural, functional, and spatial information, amino acid conservation, physicochemical variation, residue mobility, and thermodynamic stability) has been performed for this missense variant. However, the output from this modeling did not meet the statistical confidence thresholds required to predict the impact of this variant on CUL3 protein function. In summary, the available evidence is currently insufficient to determine the role of this variant in disease. Therefore, it has been classified as a Variant of Uncertain Significance.